The following is an entry in ClinVar:

NM_002270.4(TNPO1):c.2211A>G (p.Thr737=)

Gene: TNPO1 (transportin 1; plus strand). Cytogenetic location: 5q13.2.
Variant type: single nucleotide variant.
Coding change: c.2211A>G on transcript NM_002270.4 (MANE Select); coding-DNA position 2211, A replaced by G.
Protein change: p.Thr737=; no amino-acid change (threonine 737 retained).
Molecular consequence: synonymous variant.
Genome position (GRCh38, 1-based): chr5:72,896,525, A>G. VCF-style: chr5-72896525-A-G. GRCh37 (hg19) VCF-style: chr5-72192352-A-G.
Other names: c.2187A>G, p.Thr729= (NM_001364292.3, NM_001364293.3, NM_001364294.3 and 1 more transcripts); c.2061A>G, p.Thr687= (NM_001364295.3).
Identifiers: ClinVar variation 4986441 (VCV004986441.1).
Genomic context (GRCh38, chr5:72,896,525, plus strand): 5'-CATGCCAATATTGGGAACCAACCTAAATCCAGAATTCATTTCAGTCTGCAACAATGCCAC[A>G]TGGGCAATTGGAGAAATCTCCATTCAAATGGGTAAGATGTTTTTCCCTATTTAAAAGCAT-3'
Protein context (NP_002261.3, residues 727-747): PEFISVCNNA[Thr737=]WAIGEISIQM

ClinVar aggregate classification (germline): Likely benign (1 of 4 stars; one submission).

Conditions:
TNPO1-related disorder. Also called: TNPO1-related condition.

gnomAD v4.1: 7 of 1,611,750 alleles (0.00043%); highest among the groups gnomAD compares: African/African-American, 0.0013%; no homozygotes.

Submission:

PreventionGenetics, part of Exact Sciences
Classification: Likely benign for TNPO1-related condition. Last evaluated: 2024-10-09. Review status: criteria provided, single submitter. Criteria: ACMG Guidelines, 2015. Collection method: clinical testing. Allele origin: germline.
Comment: This variant is classified as likely benign based on ACMG/AMP sequence variant interpretation guidelines (Richards et al. 2015 PMID: 25741868, with internal and published modifications).